The following is an entry in ClinVar:

NM_001288705.3(CSF1R):c.*604A>G

Gene: CSF1R (colony stimulating factor 1 receptor; minus strand). Cytogenetic location: 5q32.
Variant type: single nucleotide variant.
Coding change: c.*604A>G on transcript NM_001288705.3 (MANE Select); 604 bases downstream of the stop codon, A replaced by G.
Molecular consequence: 3 prime UTR variant. On other transcripts: non-coding transcript variant (2).
Genome position (GRCh38, 1-based): chr5:150,053,465, T>C on the plus strand (A>G on the coding strand, the complement: CSF1R is on the minus strand). VCF-style: chr5-150053465-T-C. GRCh37 (hg19) VCF-style: chr5-149433028-T-C.
Other names: c.*604A>G (NM_001349736.2, NM_001375320.1, NM_001375321.1 and 1 more transcripts).
Identifiers: ClinVar variation 352103 (VCV000352103.5), dbSNP rs150244467, ClinGen allele CA10623662.

ClinVar aggregate classification (germline): Benign (1 of 4 stars; one submission).

Conditions:
Hereditary diffuse leukoencephalopathy with spheroids. Also called: LEUKOENCEPHALOPATHY, ADULT-ONSET, WITH AXONAL SPHEROIDS AND PIGMENTED GLIA. Identifiers: Orphanet 313808, MedGen C3711381, MONDO:0030796.

Allele frequency attached by ClinVar (database versions not stated): 1000 Genomes Project 30x 0.00828; gnomAD 0.00631 and 0.00595; TOPMed 0.00663; 1000 Genomes Project 0.00859; gnomAD exomes 0.00107.

Submission:

Illumina Laboratory Services, Illumina
Classification: Benign for Leukoencephalopathy, diffuse hereditary, with spheroids 1. Last evaluated: 2018-01-12. Review status: criteria provided, single submitter. Criteria: ICSL Variant Classification Criteria 13 December 2019. Collection method: clinical testing. Allele origin: germline.
Comment: This variant was observed in the ICSL laboratory as part of a predisposition screen in an ostensibly healthy population. It had not been previously curated by ICSL or reported in the Human Gene Mutation Database (HGMD: prior to June 1st, 2018), and was therefore a candidate for classification through an automated scoring system. Utilizing variant allele frequency, disease prevalence and penetrance estimates, and inheritance mode, an automated score was calculated to assess if this variant is too frequent to cause the disease. Based on the score and internal cut-off values, a variant classified as benign is not then subjected to further curation. The score for this variant resulted in a classification of benign for this disease.